The following is an entry in ClinVar:

NM_015443.4(KANSL1):c.2500G>C (p.Ala834Pro)

Gene: KANSL1 (KAT8 regulatory NSL complex subunit 1). Cytogenetic location: 17q21.31.
Variant type: single nucleotide variant.
Coding change: c.2500G>C on transcript NM_015443.4 (MANE Select); coding-DNA position 2500, G replaced by C.
Protein change: p.Ala834Pro; replaces alanine 834 with proline.
Molecular consequence: missense variant.
Genome position (GRCh38, 1-based): chr17:46,038,579, C>G on the plus strand (G>C on the coding strand, the complement: KANSL1 is on the minus strand). VCF-style: chr17-46038579-C-G. GRCh37 (hg19) VCF-style: chr17-44115945-C-G.
Other names: c.2500G>C, p.Ala834Pro (NM_001193465.2, NM_001193466.2, NM_001379198.1 and 8 more transcripts); c.2398G>C, p.Ala800Pro (NM_001405859.1, NM_001405860.1, NM_001405861.1 and 1 more transcripts); c.2311G>C, p.Ala771Pro (NM_001405875.1, NM_001405876.1, NM_001405877.1 and 3 more transcripts); c.1234G>C, p.Ala412Pro (NM_001405882.1, NM_001405883.1); c.1045G>C, p.Ala349Pro (NM_001405884.1, NM_001405885.1); short protein forms A412P, A349P, A771P, A800P, A834P.
Identifiers: ClinVar variation 3689133 (VCV003689133.2).

ClinVar aggregate classification (germline): Uncertain significance (1 of 4 stars; one submission).

Conditions:
Koolen-de Vries syndrome (KDVS). Identifiers: Orphanet 96169, MedGen C1864871, MONDO:0012496, OMIM 610443.

Submission:

Labcorp Genetics (formerly Invitae), Labcorp
Classification: Uncertain significance for Koolen-de Vries syndrome. Last evaluated: 2024-09-19. Review status: criteria provided, single submitter. Criteria: Invitae Variant Classification Sherloc (09022015). Collection method: clinical testing. Allele origin: germline.
Comment: This sequence change replaces alanine, which is neutral and non-polar, with proline, which is neutral and non-polar, at codon 834 of the KANSL1 protein (p.Ala834Pro). This variant is not present in population databases (gnomAD no frequency). This variant has not been reported in the literature in individuals affected with KANSL1-related conditions. Invitae Evidence Modeling of protein sequence and biophysical properties (such as structural, functional, and spatial information, amino acid conservation, physicochemical variation, residue mobility, and thermodynamic stability) indicates that this missense variant is not expected to disrupt KANSL1 protein function with a negative predictive value of 80%. In summary, the available evidence is currently insufficient to determine the role of this variant in disease. Therefore, it has been classified as a Variant of Uncertain Significance.